The following is an entry in ClinVar:

ClinVar aggregate classification (germline): Likely pathogenic (0 of 4 stars; one submission).

Conditions:
SCN8A-related disorder.

Submission:

PreventionGenetics, part of Exact Sciences
Classification: Likely pathogenic for SCN8A-related condition. Last evaluated: 2024-07-19. Review status: no assertion criteria provided. Collection method: clinical testing. Allele origin: germline.
Comment: The SCN8A c.782G>T variant is predicted to result in the amino acid substitution p.Cys261Phe. This variant was reported de novo in an individual with developmental and epileptic encephalopathy-13 (Table 1, Rim et al 2018. PubMed ID: 29390993). This variant has not been reported in a large population database, indicating it is rare. This variant is interpreted as likely pathogenic.

NM_001330260.2(SCN8A):c.782G>T (p.Cys261Phe)

Gene: SCN8A (sodium voltage-gated channel alpha subunit 8; plus strand). Cytogenetic location: 12q13.13.
Variant type: single nucleotide variant.
Coding change: c.782G>T on transcript NM_001330260.2 (MANE Select); coding-DNA position 782, G replaced by T.
Protein change: p.Cys261Phe; replaces cysteine 261 with phenylalanine.
Molecular consequence: missense variant.
Genome position (GRCh38, 1-based): chr12:51,699,645, G>T. VCF-style: chr12-51699645-G-T. GRCh37 (hg19) VCF-style: chr12-52093429-G-T.
Other names: c.782G>T, p.Cys261Phe (NM_001177984.3, NM_001369788.1, NM_014191.4); short protein forms C261F.
Identifiers: ClinVar variation 3344041 (VCV003344041.1).